The following is an entry in ClinVar:

ClinVar aggregate classification (germline): Uncertain significance (1 of 4 stars; one submission).

Conditions:
Hereditary cancer-predisposing syndrome. Also called: Neoplastic Syndromes, Hereditary; Tumor predisposition; Hereditary Cancer Syndrome; Hereditary neoplastic syndrome. Identifiers: Orphanet 140162, MedGen C0027672, MeSH D009386, MONDO:0015356.

Submission:

Ambry Genetics
Classification: Uncertain significance for Hereditary cancer-predisposing syndrome. Last evaluated: 2024-09-03. Review status: criteria provided, single submitter. Criteria: Ambry Variant Classification Scheme 2023. Collection method: clinical testing. Allele origin: germline.
Comment: The p.I868V variant (also known as c.2602A>G), located in coding exon 20 of the POLD1 gene, results from an A to G substitution at nucleotide position 2602. The isoleucine at codon 868 is replaced by valine, an amino acid with highly similar properties. This amino acid position is conserved. In addition, this alteration is predicted to be tolerated by in silico analysis. Based on the available evidence, the clinical significance of this variant remains unclear.

NM_002691.4(POLD1):c.2602A>G (p.Ile868Val)

Gene: POLD1 (DNA polymerase delta 1, catalytic subunit; plus strand). Cytogenetic location: 19q13.33.
Variant type: single nucleotide variant.
Coding change: c.2602A>G on transcript NM_002691.4 (MANE Select); coding-DNA position 2602, A replaced by G.
Protein change: p.Ile868Val; replaces isoleucine 868 with valine.
Molecular consequence: missense variant. On other transcripts: non-coding transcript variant (1).
Genome position (GRCh38, 1-based): chr19:50,415,475, A>G. VCF-style: chr19-50415475-A-G. GRCh37 (hg19) VCF-style: chr19-50918732-A-G.
Other names: c.2602A>G, p.Ile868Val (NM_001256849.1); c.2680A>G, p.Ile894Val (NM_001308632.1); short protein forms I868V, I894V.
Identifiers: ClinVar variation 3421962 (VCV003421962.1).